The following is an entry in ClinVar:

ClinVar aggregate classification (germline): Uncertain significance. Review status: criteria provided, multiple submitters, no conflicts (2 of 4 stars). 3 submissions from 3 submitters: Uncertain significance (3). Last evaluated 2025-09-10.

Conditions:
Neurodevelopmental disorder with microcephaly, seizures, and cortical atrophy. Identifiers: MedGen C4540493, MONDO:0060621, OMIM 617802.

Allele frequency attached by ClinVar (database versions not stated): gnomAD 0.00001; gnomAD exomes 0.00001; TOPMed 0.00002.
gnomAD v4.1: 19 of 1,612,848 alleles (0.0012%); highest among the groups gnomAD compares: Middle Eastern, 0.016%; no homozygotes.

Submissions (3):

Genomic Medicine Center of Excellence, King Faisal Specialist Hospital and Research Centre
Classification: Uncertain significance for Neurodevelopmental disorder with microcephaly, seizures, and cortical atrophy. Last evaluated: 2025-09-10. Review status: criteria provided, single submitter. Criteria: ACMG Guidelines, 2015. Collection method: clinical testing. Allele origin: germline.

Blueprint Genetics
Classification: Uncertain significance. Last evaluated: 2020-09-21. Review status: criteria provided, single submitter. Criteria: ACMG Guidelines, 2015. Collection method: clinical testing. Allele origin: germline.

Baylor Genetics
Classification: Uncertain significance for Neurodevelopmental disorder with microcephaly, seizures, and cortical atrophy. Last evaluated: 2019-09-26. Review status: criteria provided, single submitter. Criteria: ACMG Guidelines, 2015. Collection method: clinical testing. Allele origin: unknown. Affected: yes.
Comment: This variant was determined to be of uncertain significance according to ACMG Guidelines, 2015 [PMID:25741868].

NM_006295.3(VARS1):c.2272C>T (p.Arg758Cys)

Gene: VARS1 (valyl-tRNA synthetase 1; minus strand). Cytogenetic location: 6p21.33.
Variant type: single nucleotide variant.
Coding change: c.2272C>T on transcript NM_006295.3 (MANE Select); coding-DNA position 2272, C replaced by T.
Protein change: p.Arg758Cys; replaces arginine 758 with cysteine.
Molecular consequence: missense variant.
Genome position (GRCh38, 1-based): chr6:31,781,922, G>A on the plus strand (C>T on the coding strand, the complement: VARS1 is on the minus strand). VCF-style: chr6-31781922-G-A. GRCh37 (hg19) VCF-style: chr6-31749699-G-A.
Other names: short protein forms R758C.
Identifiers: ClinVar variation 1029027 (VCV001029027.3), dbSNP rs1294452351, ClinGen allele CA363452623.